The following is an entry in ClinVar:

NM_004268.5(MED17):c.1500G>A (p.Glu500=)

Gene: MED17 (mediator complex subunit 17; plus strand). Cytogenetic location: 11q21.
Variant type: single nucleotide variant.
Coding change: c.1500G>A on transcript NM_004268.5 (MANE Select); coding-DNA position 1500, G replaced by A.
Protein change: p.Glu500=; no amino-acid change (glutamic acid 500 retained).
Molecular consequence: synonymous variant.
Genome position (GRCh38, 1-based): chr11:93,807,551, G>A. VCF-style: chr11-93807551-G-A. GRCh37 (hg19) VCF-style: chr11-93540717-G-A.
Identifiers: ClinVar variation 211481 (VCV000211481.23), dbSNP rs76149470, ClinGen allele CA208772.

ClinVar aggregate classification (germline): Benign/Likely benign. Review status: criteria provided, multiple submitters, no conflicts (2 of 4 stars). 7 submissions from 7 submitters: Benign (3); Likely benign (3). 1 of the submissions does not count toward it. Last evaluated 2026-01-26.

Conditions:
MED17-related disorder. Also called: MED17-related condition.
Infantile cerebral and cerebellar atrophy with postnatal progressive microcephaly (MSBA). Identifiers: Orphanet 402364, MedGen C3150921, MONDO:0013351, OMIM 613668.

Allele frequency attached by ClinVar (database versions not stated): 1000 Genomes Project 30x 0.00843; gnomAD exomes 0.00050 and 0.00135; ExAC 0.00176; gnomAD 0.00546 and 0.00578; TOPMed 0.00592; ESP Exome Variant Server 0.00600; 1000 Genomes Project 0.00699.
gnomAD v4.1: 1,597 of 1,612,658 alleles (0.099%); highest among the groups gnomAD compares: African/African-American, 1.9%; 24 homozygotes.

Submissions (7):

Labcorp Genetics (formerly Invitae), Labcorp
Classification: Benign. Last evaluated: 2026-01-26. Review status: criteria provided, single submitter. Criteria: Invitae Variant Classification Sherloc (09022015). Collection method: clinical testing. Allele origin: germline.

ARUP Laboratories, Molecular Genetics and Genomics, ARUP Laboratories
Classification: Benign for Infantile cerebral and cerebellar atrophy with postnatal progressive microcephaly. Last evaluated: 2025-03-06. Review status: criteria provided, single submitter. Criteria: ARUP Molecular Germline Variant Investigation Process 2024. Collection method: clinical testing. Allele origin: germline.

Fulgent Genetics
Classification: Likely benign for Infantile cerebral and cerebellar atrophy with postnatal progressive microcephaly. Last evaluated: 2022-01-24. Review status: criteria provided, single submitter. Criteria: ACMG Guidelines, 2015. Collection method: clinical testing. Allele origin: unknown.

GeneDx
Classification: Likely benign. Last evaluated: 2020-12-29. Review status: criteria provided, single submitter. Criteria: GeneDx Variant Classification Process June 2021. Collection method: clinical testing. Allele origin: germline. Affected: yes.

Genetic Services Laboratory, University of Chicago
Classification: Benign. Last evaluated: 2016-10-13. Review status: criteria provided, single submitter. Criteria: ACMG Guidelines, 2015. Collection method: clinical testing. Allele origin: germline. Affected: no.

Breakthrough Genomics
Classification: Likely benign. Review status: criteria provided, single submitter. Criteria: ACMG Guidelines, 2015. Collection method: not provided. Allele origin: germline. Inheritance: Autosomal recessive inheritance. Affected: yes.

PreventionGenetics, part of Exact Sciences
Classification: Benign for MED17-related condition. Last evaluated: 2019-03-25. Review status: no assertion criteria provided. Collection method: clinical testing. Allele origin: germline. Not counted in ClinVar's aggregate classification.
Comment: This variant is classified as benign based on ACMG/AMP sequence variant interpretation guidelines (Richards et al. 2015 PMID: 25741868, with internal and published modifications).